The following is an entry in ClinVar:

ClinVar aggregate classification (germline): Uncertain significance (1 of 4 stars; one submission).

gnomAD v4.1: 2 of 1,613,876 alleles (0.00012%); highest among the groups gnomAD compares: Non-Finnish European, 0.00017%; no homozygotes.

Submission:

Labcorp Genetics (formerly Invitae), Labcorp
Classification: Uncertain significance. Last evaluated: 2021-11-29. Review status: criteria provided, single submitter. Criteria: Invitae Variant Classification Sherloc (09022015). Collection method: clinical testing. Allele origin: germline.
Comment: In summary, the available evidence is currently insufficient to determine the role of this variant in disease. Therefore, it has been classified as a Variant of Uncertain Significance. Algorithms developed to predict the effect of missense changes on protein structure and function are either unavailable or do not agree on the potential impact of this missense change (SIFT: "Not Available"; PolyPhen-2: "Probably Damaging"; Align-GVGD: "Not Available"). This variant has not been reported in the literature in individuals affected with MYO18B-related conditions. This variant is not present in population databases (gnomAD no frequency). This sequence change replaces valine, which is neutral and non-polar, with methionine, which is neutral and non-polar, at codon 944 of the MYO18B protein (p.Val944Met).

NM_032608.7(MYO18B):c.2830G>A (p.Val944Met)

Gene: MYO18B (myosin XVIIIB; plus strand). Cytogenetic location: 22q12.1.
Variant type: single nucleotide variant.
Coding change: c.2830G>A on transcript NM_032608.7 (MANE Select); coding-DNA position 2830, G replaced by A.
Protein change: p.Val944Met; replaces valine 944 with methionine.
Molecular consequence: missense variant.
Genome position (GRCh38, 1-based): chr22:25,828,819, G>A. VCF-style: chr22-25828819-G-A. GRCh37 (hg19) VCF-style: chr22-26224786-G-A.
Other names: c.2830G>A, p.Val944Met (NM_001318245.2); short protein forms V944M.
Identifiers: ClinVar variation 1470234 (VCV001470234.5), dbSNP rs2145917943, ClinGen allele CA411000266.